The following is an entry in ClinVar:

ClinVar aggregate classification (germline): Benign. Review status: criteria provided, multiple submitters, no conflicts (2 of 4 stars). 5 submissions from 5 submitters: Benign (5). Last evaluated 2026-02-04.

Conditions:
Primary ciliary dyskinesia. Also called: Ciliary dyskinesia. Identifiers: Orphanet 244, MedGen C0008780, MONDO:0016575, HP:0012265.

Allele frequency attached by ClinVar (database versions not stated): 1000 Genomes Project 0.08387; 1000 Genomes Project 30x 0.08745; gnomAD 0.12187 and 0.12351; ESP Exome Variant Server 0.12242; TOPMed 0.12746; ExAC 0.12882; gnomAD exomes 0.13047 and 0.14399.
gnomAD v4.1: 220,343 of 1,558,360 alleles (14%); highest among the groups gnomAD compares: Admixed American, 24%; 17,449 homozygotes.

Submissions (5):

Labcorp Genetics (formerly Invitae), Labcorp
Classification: Benign for Primary ciliary dyskinesia. Last evaluated: 2026-02-04. Review status: criteria provided, single submitter. Criteria: Invitae Variant Classification Sherloc (09022015). Collection method: clinical testing. Allele origin: germline.

Blueprint Genetics
Classification: Benign. Last evaluated: 2024-11-26. Review status: criteria provided, single submitter. Criteria: ACMG Guidelines, 2015. Collection method: clinical testing. Allele origin: germline.

Mayo Clinic Laboratories, Mayo Clinic
Classification: Benign. Last evaluated: 2022-04-26. Review status: criteria provided, single submitter. Criteria: ACMG Guidelines, 2015. Collection method: clinical testing. Allele origin: germline. Observed: 67 variant alleles.

GeneDx
Classification: Benign. Last evaluated: 2018-11-10. Review status: criteria provided, single submitter. Criteria: GeneDx Variant Classification Process June 2021. Collection method: clinical testing. Allele origin: germline. Affected: yes.

Laboratory for Molecular Medicine, Mass General Brigham Personalized Medicine
Classification: Benign. Last evaluated: 2016-03-28. Review status: criteria provided, single submitter. Criteria: LMM Criteria. Collection method: clinical testing. Allele origin: germline.
Comment: Variant identified in a genome or exome case(s) and assessed due to predicted null impact of the variant or pathogenic assertions in the literature or databases. Disclaimer: This variant has not undergone full assessment. The following are preliminary notes: Frequency

NM_001206927.2(DNAH8):c.1549T>C (p.Tyr517His)

Gene: DNAH8 (dynein axonemal heavy chain 8; plus strand). Cytogenetic location: 6p21.2.
Variant type: single nucleotide variant.
Coding change: c.1549T>C on transcript NM_001206927.2 (MANE Select); coding-DNA position 1549, T replaced by C.
Protein change: p.Tyr517His; replaces tyrosine 517 with histidine.
Molecular consequence: missense variant.
Genome position (GRCh38, 1-based): chr6:38,761,735, T>C. VCF-style: chr6-38761735-T-C. GRCh37 (hg19) VCF-style: chr6-38729511-T-C.
Other names: c.898T>C, p.Tyr300His (NM_001371.4); short protein forms Y517H, Y300H.
Identifiers: ClinVar variation 402760 (VCV000402760.16), dbSNP rs61748600, ClinGen allele CA3788259.